The following is an entry in ClinVar:

NM_005612.5(REST):c.3107G>C (p.Arg1036Pro)

Gene: REST (RE1 silencing transcription factor; plus strand). Cytogenetic location: 4q12.
Variant type: single nucleotide variant.
Coding change: c.3107G>C on transcript NM_005612.5 (MANE Select); coding-DNA position 3107, G replaced by C.
Protein change: p.Arg1036Pro; replaces arginine 1036 with proline.
Molecular consequence: missense variant.
Genome position (GRCh38, 1-based): chr4:56,931,965, G>C. VCF-style: chr4-56931965-G-C. GRCh37 (hg19) VCF-style: chr4-57798131-G-C.
Other names: c.3107G>C, p.Arg1036Pro (NM_001193508.2, NM_001363453.3); short protein forms R1036P.
Identifiers: ClinVar variation 3716590 (VCV003716590.2).

ClinVar aggregate classification (germline): Uncertain significance (1 of 4 stars; one submission).

gnomAD v4.1: 34 of 1,614,078 alleles (0.0021%); highest among the groups gnomAD compares: Non-Finnish European, 0.0028%; no homozygotes.

Submission:

Labcorp Genetics (formerly Invitae), Labcorp
Classification: Uncertain significance. Last evaluated: 2025-01-29. Review status: criteria provided, single submitter. Criteria: Invitae Variant Classification Sherloc (09022015). Collection method: clinical testing. Allele origin: germline.
Comment: This sequence change replaces arginine, which is basic and polar, with proline, which is neutral and non-polar, at codon 1036 of the REST protein (p.Arg1036Pro). This variant is present in population databases (rs777464251, gnomAD 0.002%). This variant has not been reported in the literature in individuals affected with REST-related conditions. An algorithm developed to predict the effect of missense changes on protein structure and function (PolyPhen-2) suggests that this variant is likely to be disruptive. In summary, the available evidence is currently insufficient to determine the role of this variant in disease. Therefore, it has been classified as a Variant of Uncertain Significance.